The following is an entry in ClinVar:

NM_006755.2(TALDO1):c.125C>T (p.Ala42Val)

Gene: TALDO1 (transaldolase 1; plus strand). Cytogenetic location: 11p15.5.
Variant type: single nucleotide variant.
Coding change: c.125C>T on transcript NM_006755.2 (MANE Select); coding-DNA position 125, C replaced by T.
Protein change: p.Ala42Val; replaces alanine 42 with valine.
Molecular consequence: missense variant.
Genome position (GRCh38, 1-based): chr11:755,906, C>T. VCF-style: chr11-755906-C-T. GRCh37 (hg19) VCF-style: chr11-755906-C-T.
Other names: short protein forms A42V.
Identifiers: ClinVar variation 5004984 (VCV005004984.2).

ClinVar aggregate classification (germline): Uncertain significance (1 of 4 stars; one submission).

Conditions:
Deficiency of transaldolase. Also called: EYAID SYNDROME. Identifiers: Orphanet 101028, MedGen C1291329, MONDO:0011624, OMIM 606003.

Submission:

Juno Genomics, Hangzhou Juno Genomics, Inc
Classification: Uncertain significance for Deficiency of transaldolase. Review status: criteria provided, single submitter. Criteria: ACMG Guidelines, 2015. Collection method: clinical testing. Allele origin: germline.
Comment: Absent from controls (or at extremely low frequency if recessive) in Genome Aggregation Database.;Multiple lines of computational evidence support a deleterious effect on the gene or gene product.